The following is an entry in ClinVar:

NM_001044370.2(MPPED1):c.110G>T (p.Arg37Leu)

Gene: MPPED1 (metallophosphoesterase domain containing 1; plus strand). Cytogenetic location: 22q13.2.
Variant type: single nucleotide variant.
Coding change: c.110G>T on transcript NM_001044370.2 (MANE Select); coding-DNA position 110, G replaced by T.
Protein change: p.Arg37Leu; replaces arginine 37 with leucine.
Molecular consequence: missense variant.
Genome position (GRCh38, 1-based): chr22:43,425,095, G>T. VCF-style: chr22-43425095-G-T. GRCh37 (hg19) VCF-style: chr22-43821101-G-T.
Other names: c.110G>T, p.Arg37Leu (NM_001362786.2); short protein forms R37L.
Identifiers: ClinVar variation 3397734 (VCV003397734.1).

ClinVar aggregate classification (germline): Uncertain significance (1 of 4 stars; one submission).

Submission:

Ambry Genetics
Classification: Uncertain significance. Last evaluated: 2024-11-25. Review status: criteria provided, single submitter. Criteria: Ambry Variant Classification Scheme 2023. Collection method: clinical testing. Allele origin: germline.
Comment: The c.110G>T (p.R37L) alteration is located in exon (coding exon ) of the MPPED1 gene. This alteration results from a G to T substitution at nucleotide position 110, causing the arginine (R) at amino acid position 37 to be replaced by a leucine (L). Based on insufficient or conflicting evidence, the clinical significance of this alteration remains unclear.